The following is an entry in ClinVar:

ClinVar aggregate classification (germline): Uncertain significance (0 of 4 stars; one submission).

Conditions:
GNAS-related disorder. Identifiers: MedGen CN380105.

Allele frequency attached by ClinVar (database versions not stated): ExAC 0.00001; gnomAD 0.00003; TOPMed 0.00003.
gnomAD v4.1: 29 of 1,611,582 alleles (0.0018%); highest among the groups gnomAD compares: Middle Eastern, 0.016%; 1 homozygote.

Submission:

PreventionGenetics, part of Exact Sciences
Classification: Uncertain significance for GNAS-related condition. Last evaluated: 2024-09-11. Review status: no assertion criteria provided. Collection method: clinical testing. Allele origin: germline.
Comment: The GNAS c.805G>A variant is predicted to result in the amino acid substitution p.Ala269Thr. To our knowledge, this variant has not been reported in the literature. This variant is reported in 0.0025% of alleles in individuals of European (non-Finnish) descent in gnomAD. At this time, the clinical significance of this variant is uncertain due to the absence of conclusive functional and genetic evidence.

NM_080425.4(GNAS):c.805G>A (p.Ala269Thr)

Gene: GNAS (GNAS complex locus; plus strand). Cytogenetic location: 20q13.32.
Variant type: single nucleotide variant.
Coding change: c.805G>A on transcript NM_080425.4 (MANE Plus Clinical); coding-DNA position 805, G replaced by A.
Protein change: p.Ala269Thr; replaces alanine 269 with threonine.
Molecular consequence: missense variant. On other transcripts: synonymous variant (2), intron variant (3).
Genome position (GRCh38, 1-based): chr20:58,854,070, G>A. VCF-style: chr20-58854070-G-A. GRCh37 (hg19) VCF-style: chr20-57429125-G-A.
Other names: c.618G>A, p.Pro206= (NM_001077490.3, NM_001309883.1); c.805G>A, p.Ala269Thr (NM_001410913.1); c.*42+13184G>A (NM_016592.5); c.43+13184G>A (NM_001410912.1); c.-39+12195G>A (NM_001309861.2); short protein forms A269T.
Identifiers: ClinVar variation 3057442 (VCV003057442.2), dbSNP rs757489289, ClinGen allele CA9926556.
Genomic context (GRCh38, chr20:58,854,070, plus strand): 5'-GTCGACGGCAGCAGCCAGTTCGCGGCAGTCGCGGCCTCGAGTGCGGTCCGCCTCACTCCC[G>A]CCGCGAACGCGCCTCCCCTCTGGGTCCCAGGCGCCATCGGCAGCCCATCCCAAGAGGCTG-3'
Protein context (NP_536350.2, residues 259-279): AASSAVRLTP[Ala269Thr]ANAPPLWVPG